The following is an entry in ClinVar:

ClinVar aggregate classification (germline): Uncertain significance (1 of 4 stars; one submission).

gnomAD v4.1: 1 of 1,610,850 alleles (0.000062%); highest among the groups gnomAD compares: Non-Finnish European, 0.000085%; no homozygotes.

Submission:

Labcorp Genetics (formerly Invitae), Labcorp
Classification: Uncertain significance. Last evaluated: 2022-11-01. Review status: criteria provided, single submitter. Criteria: Invitae Variant Classification Sherloc (09022015). Collection method: clinical testing. Allele origin: germline.
Comment: This sequence change falls in intron 5 of the LCA5 gene. It does not directly change the encoded amino acid sequence of the LCA5 protein. It affects a nucleotide within the consensus splice site. This variant is not present in population databases (gnomAD no frequency). This variant has not been reported in the literature in individuals affected with LCA5-related conditions. ClinVar contains an entry for this variant (Variation ID: 1470031). Variants that disrupt the consensus splice site are a relatively common cause of aberrant splicing (PMID: 17576681, 9536098). Algorithms developed to predict the effect of sequence changes on RNA splicing suggest that this variant is not likely to affect RNA splicing. In summary, the available evidence is currently insufficient to determine the role of this variant in disease. Therefore, it has been classified as a Variant of Uncertain Significance.

Literature cited by the submitters: PubMed 17576681; PubMed 9536098.

NM_001122769.3(LCA5):c.858+5G>A

Gene: LCA5 (lebercilin LCA5; minus strand). Cytogenetic location: 6q14.1.
Variant type: single nucleotide variant.
Coding change: c.858+5G>A on transcript NM_001122769.3 (MANE Select); 5 bases into the intron after coding-DNA position 858, G replaced by A.
Molecular consequence: intron variant.
Genome position (GRCh38, 1-based): chr6:79,493,608, C>T on the plus strand (G>A on the coding strand, the complement: LCA5 is on the minus strand). VCF-style: chr6-79493608-C-T. GRCh37 (hg19) VCF-style: chr6-80203325-C-T.
Other names: c.858+5G>A (NM_181714.4).
Identifiers: ClinVar variation 1470031 (VCV001470031.3), dbSNP rs200302979, ClinGen allele CA141864439.